The following is an entry in ClinVar:

NM_213655.5(WNK1):c.2995C>G (p.Leu999Val)

Gene: WNK1 (WNK lysine deficient protein kinase 1; plus strand). Cytogenetic location: 12p13.33.
Variant type: single nucleotide variant.
Coding change: c.2995C>G on transcript NM_213655.5 (MANE Plus Clinical); coding-DNA position 2995, C replaced by G.
Protein change: p.Leu999Val; replaces leucine 999 with valine.
Molecular consequence: missense variant. On other transcripts: intron variant (2).
Genome position (GRCh38, 1-based): chr12:868,466, C>G. VCF-style: chr12-868466-C-G. GRCh37 (hg19) VCF-style: chr12-977632-C-G.
Other names: c.2740C>G, p.Leu914Val (NM_001184985.2); c.2140-2799C>G (NM_018979.4, NM_014823.3); c.2740C>G (NM_001184985.1); short protein forms L914V, L999V.
Identifiers: ClinVar variation 939449 (VCV000939449.13), dbSNP rs72649856, ClinGen allele CA6382277.

ClinVar aggregate classification (germline): Conflicting classifications of pathogenicity. Review status: criteria provided, conflicting classifications (1 of 4 stars). 3 submissions from 3 submitters: Uncertain significance (2); Likely benign (1). Last evaluated 2025-11-24.

Conditions:
Neuropathy, hereditary sensory and autonomic, type 2A (HSAN2A). Also called: MORVAN DISEASE; NEUROPATHY, CONGENITAL SENSORY; NEUROPATHY, HEREDITARY SENSORY RADICULAR, AUTOSOMAL RECESSIVE; NEUROPATHY, HEREDITARY SENSORY, TYPE IIA; NEUROPATHY, PROGRESSIVE SENSORY, OF CHILDREN; ACROOSTEOLYSIS, GIACCAI TYPE. Identifiers: Orphanet 970, MedGen C2752089, MONDO:0024309, OMIM 201300.
Pseudohypoaldosteronism type 2C (PHA2C). Also called: Pseudohypoaldosteronism Type IIC. Identifiers: Orphanet 757, Orphanet 88940, MedGen C1840391, MONDO:0013778, OMIM 614492.
Inborn genetic diseases. Identifiers: MedGen C0950123, MeSH D030342.
WNK1-related disorder. Also called: WNK1-related condition.

Allele frequency attached by ClinVar (database versions not stated): gnomAD exomes 0.00003 and 0.00009; ExAC 0.00012; ESP Exome Variant Server 0.00025; gnomAD 0.00043 and 0.00046; TOPMed 0.00044; 1000 Genomes Project 0.00060; 1000 Genomes Project 30x 0.00078.
gnomAD v4.1: 108 of 1,613,968 alleles (0.0067%); highest among the groups gnomAD compares: African/African-American, 0.14%; no homozygotes.

Submissions (3):

Labcorp Genetics (formerly Invitae), Labcorp
Classification: Likely benign for Neuropathy, hereditary sensory and autonomic, type 2A; Pseudohypoaldosteronism type 2C. Last evaluated: 2025-11-24. Review status: criteria provided, single submitter. Criteria: Invitae Variant Classification Sherloc (09022015). Collection method: clinical testing. Allele origin: germline.

PreventionGenetics, part of Exact Sciences
Classification: Uncertain significance for WNK1-related condition. Last evaluated: 2025-08-05. Review status: criteria provided, single submitter. Criteria: ACMG Guidelines, 2015. Collection method: clinical testing. Allele origin: germline.
Comment: The WNK1 c.2740C>G variant is predicted to result in the amino acid substitution p.Leu914Val. To our knowledge, this variant has not been reported in the literature. This variant is reported in 0.15% of alleles in individuals of African descent in gnomAD. Although we suspect that this variant may be benign, at this time, the clinical significance of this variant is uncertain due to the absence of conclusive functional and genetic evidence.

Ambry Genetics
Classification: Uncertain significance for Inborn genetic diseases. Last evaluated: 2020-11-12. Review status: criteria provided, single submitter. Criteria: Ambry Variant Classification Scheme 2023. Collection method: clinical testing. Allele origin: germline.
Comment: The p.L999V variant (also known as c.2995C>G), located in coding exon 10 of the WNK1 gene, results from a C to G substitution at nucleotide position 2995. The leucine at codon 999 is replaced by valine, an amino acid with highly similar properties. This amino acid position is highly conserved in available vertebrate species. In addition, this alteration is predicted to be tolerated by in silico analysis. Since supporting evidence is limited at this time, the clinical significance of this alteration remains unclear.